The following is an entry in ClinVar:

ClinVar aggregate classification (germline): Uncertain significance (1 of 4 stars; one submission).

Submission:

Dasa
Classification: Uncertain significance. Last evaluated: 2025-05-07. Review status: criteria provided, single submitter. Criteria: DASA Assertion Criteria. Collection method: clinical testing. Allele origin: germline.
Comment: NM_001348716.2(KDM6B):c.1328A>G (p.His443Arg) is a missense variant that results in the substitution of histidine with arginine. This variant is absent from population databases. Computational prediction algorithms are consistent with a benign effect. The currently available literature and clinical evidence are not sufficient to establish a definitive association between this variant and the reported condition. Therefore, this variant is classified as a variant of uncertain significance.

NM_001348716.2(KDM6B):c.1328A>G (p.His443Arg)

Gene: KDM6B (lysine demethylase 6B; plus strand). Cytogenetic location: 17p13.1.
Variant type: single nucleotide variant.
Coding change: c.1328A>G on transcript NM_001348716.2 (MANE Select); coding-DNA position 1328, A replaced by G.
Protein change: p.His443Arg; replaces histidine 443 with arginine.
Molecular consequence: missense variant.
Genome position (GRCh38, 1-based): chr17:7,847,616, A>G. VCF-style: chr17-7847616-A-G. GRCh37 (hg19) VCF-style: chr17-7750934-A-G.
Other names: c.1328A>G, p.His443Arg (NM_001080424.2); short protein forms H443R.
Identifiers: ClinVar variation 4885961 (VCV004885961.2).